The following is an entry in ClinVar:

ClinVar aggregate classification (germline): Uncertain significance (1 of 4 stars; one submission).

Conditions:
Angelman syndrome (AS). Also called: HAPPY PUPPET SYNDROME. Identifiers: Orphanet 72, MedGen C0162635, MONDO:0007113, OMIM 105830. Disease mechanism: loss of function. Inheritance: AS is caused by disruption of maternally imprinted UBE3A located within the 15q11.2-q13 Angelman syndrome/Prader-Willi syndrome (AS/PWS) region., imprinting disorder.

Submission:

Labcorp Genetics (formerly Invitae), Labcorp
Classification: Uncertain significance for Angelman syndrome. Last evaluated: 2023-02-09. Review status: criteria provided, single submitter. Criteria: Invitae Variant Classification Sherloc (09022015). Collection method: clinical testing. Allele origin: germline.
Comment: In summary, the available evidence is currently insufficient to determine the role of this variant in disease. Therefore, it has been classified as a Variant of Uncertain Significance. Advanced modeling of protein sequence and biophysical properties (such as structural, functional, and spatial information, amino acid conservation, physicochemical variation, residue mobility, and thermodynamic stability) performed at Invitae indicates that this missense variant is not expected to disrupt UBE3A protein function. This variant has not been reported in the literature in individuals affected with UBE3A-related conditions. This variant is not present in population databases (gnomAD no frequency). This sequence change replaces aspartic acid, which is acidic and polar, with glutamic acid, which is acidic and polar, at codon 311 of the UBE3A protein (p.Asp311Glu).

NM_130839.5(UBE3A):c.993C>A (p.Asp331Glu)

Genes: SNHG14 (small nucleolar RNA host gene 14; plus strand), UBE3A (ubiquitin protein ligase E3A; minus strand). Cytogenetic location: 15q11.2.
Variant type: single nucleotide variant.
Coding change: c.993C>A on transcript NM_130839.5 (MANE Select); coding-DNA position 993, C replaced by A.
Protein change: p.Asp331Glu; replaces aspartic acid 331 with glutamic acid.
Molecular consequence: missense variant. On other transcripts: non-coding transcript variant (1), intron variant (2).
Genome position (GRCh38, 1-based): chr15:25,371,181, G>T on the plus strand (C>A on the coding strand, the complement: UBE3A is on the minus strand). VCF-style: chr15-25371181-G-T. GRCh37 (hg19) VCF-style: chr15-25616328-G-T.
Other names: c.1002C>A, p.Asp334Glu (NM_000462.5); c.993C>A, p.Asp331Glu (NM_001354505.1, NM_001354538.2, NM_001354545.2); c.933C>A, p.Asp311Glu (NM_001354506.2, NM_001354507.2, NM_001354508.2 and 17 more transcripts); c.816C>A, p.Asp272Glu (NM_001354546.2); c.301+4284C>A (NM_001354551.2); c.361+4284C>A (NM_001354550.2); short protein forms D311E, D272E, D331E, D334E.
Identifiers: ClinVar variation 2815225 (VCV002815225.3), dbSNP rs2552191663, ClinGen allele CA391354607.
Genomic context (GRCh38, chr15:25,371,181, plus strand): 5'-ATTGCTTATGACTTTATAAGTAATAAGTTGCTGAAATGTCTCCATCATTCTCCGAATCTG[G>T]TCTGCATTGTATTTAGACCACAGTCTGATCAGTTTTCCTTGGGCTGCAAGGGGTAGCTTG-3'
Protein context (NP_570854.1, residues 321-341): LIRLWSKYNA[Asp331Glu]QIRRMMETFQ